The following is an entry in ClinVar:

NM_000075.4(CDK4):c.199G>A (p.Glu67Lys)

Genes: CDK4 (cyclin dependent kinase 4; minus strand), LOC130008148 (ATAC-STARR-seq lymphoblastoid silent region 4588; plus strand). Cytogenetic location: 12q14.1.
Variant type: single nucleotide variant.
Coding change: c.199G>A on transcript NM_000075.4 (MANE Select); coding-DNA position 199, G replaced by A.
Protein change: p.Glu67Lys; replaces glutamic acid 67 with lysine.
Molecular consequence: missense variant.
Genome position (GRCh38, 1-based): chr12:57,751,519, C>T on the plus strand (G>A on the coding strand, the complement: CDK4 is on the minus strand). VCF-style: chr12-57751519-C-T. GRCh37 (hg19) VCF-style: chr12-58145302-C-T.
Other names: short protein forms E67K.
Identifiers: ClinVar variation 3637630 (VCV003637630.2).

ClinVar aggregate classification (germline): Uncertain significance (1 of 4 stars; one submission).

Conditions:
Familial melanoma. Also called: Hereditary melanoma; Hereditary cutaneous melanoma. Identifiers: Orphanet 618, MedGen C1512419, MONDO:0018961.

Submission:

Labcorp Genetics (formerly Invitae), Labcorp
Classification: Uncertain significance for Familial melanoma. Last evaluated: 2024-04-16. Review status: criteria provided, single submitter. Criteria: Invitae Variant Classification Sherloc (09022015). Collection method: clinical testing. Allele origin: germline.
Comment: This sequence change replaces glutamic acid, which is acidic and polar, with lysine, which is basic and polar, at codon 67 of the CDK4 protein (p.Glu67Lys). This variant is not present in population databases (gnomAD no frequency). This variant has not been reported in the literature in individuals affected with CDK4-related conditions. Advanced modeling of protein sequence and biophysical properties (such as structural, functional, and spatial information, amino acid conservation, physicochemical variation, residue mobility, and thermodynamic stability) performed at Invitae indicates that this missense variant is not expected to disrupt CDK4 protein function with a negative predictive value of 95%. In summary, the available evidence is currently insufficient to determine the role of this variant in disease. Therefore, it has been classified as a Variant of Uncertain Significance.